The following is an entry in ClinVar:

NM_020320.5(RARS2):c.63A>G (p.Pro21=)

Gene: RARS2 (arginyl-tRNA synthetase 2, mitochondrial; minus strand). Cytogenetic location: 6q15.
Variant type: single nucleotide variant.
Coding change: c.63A>G on transcript NM_020320.5 (MANE Select); coding-DNA position 63, A replaced by G.
Protein change: p.Pro21=; no amino-acid change (proline 21 retained).
Molecular consequence: synonymous variant. On other transcripts: 5 prime UTR variant (6), non-coding transcript variant (21), intron variant (1).
Genome position (GRCh38, 1-based): chr6:87,569,564, T>C on the plus strand (A>G on the coding strand, the complement: RARS2 is on the minus strand). VCF-style: chr6-87569564-T-C. GRCh37 (hg19) VCF-style: chr6-88279282-T-C.
Other names: p.P21P:CCA>CCG; c.-407A>G (NM_001318785.2); c.63A>G, p.Pro21= (NM_001350505.2); c.-463A>G (NM_001350506.2, NM_001350507.2, NM_001350510.2); c.-625A>G (NM_001350508.2); c.-582A>G (NM_001350511.2); c.-359-5332A>G (NM_001350509.2).
Identifiers: ClinVar variation 130097 (VCV000130097.26), dbSNP rs7748563, ClinGen allele CA154882.
Genomic context (GRCh38, chr6:87,569,564, plus strand): 5'-TATTATACTTAACTCTTTTTGGGAAATTGGAACTGCAGATATTGATGTGATCAAGTTTTC[T>C]GGTGGAAGATTCAACACTCTGGAAAGCTAAAAATCAAAAAGAACAAAACAGTGTAAGATT-3'
Protein context (NP_064716.2, residues 11-31): CQLSRVLNLP[Pro21=]ENLITSISAV

ClinVar aggregate classification (germline): Benign/Likely benign. Review status: criteria provided, multiple submitters, no conflicts (2 of 4 stars). 8 submissions from 8 submitters: Benign (3); Likely benign (3). 2 of the submissions do not count toward it. Last evaluated 2026-01-31.

Conditions:
Pontocerebellar hypoplasia type 6 (PCH6). Identifiers: Orphanet 166073, MedGen C1969084, MONDO:0012683, OMIM 611523.

Allele frequency attached by ClinVar (database versions not stated): gnomAD exomes 0.00110 and 0.00304; ExAC 0.00368; gnomAD 0.01223 and 0.01309; ESP Exome Variant Server 0.01230; 1000 Genomes Project 0.01358; 1000 Genomes Project 30x 0.01405; TOPMed 0.01444.
gnomAD v4.1: 3,551 of 1,607,480 alleles (0.22%); highest among the groups gnomAD compares: African/African-American, 4.2%; 62 homozygotes.

Submissions (8):

Labcorp Genetics (formerly Invitae), Labcorp
Classification: Benign. Last evaluated: 2026-01-31. Review status: criteria provided, single submitter. Criteria: Invitae Variant Classification Sherloc (09022015). Collection method: clinical testing. Allele origin: germline.

Fulgent Genetics
Classification: Likely benign for Pontocerebellar hypoplasia type 6. Last evaluated: 2021-10-08. Review status: criteria provided, single submitter. Criteria: ACMG Guidelines, 2015. Collection method: clinical testing. Allele origin: unknown.

Illumina Laboratory Services, Illumina
Classification: Likely benign for Pontocerebellar hypoplasia type 6. Last evaluated: 2017-04-27. Review status: criteria provided, single submitter. Criteria: ICSL Variant Classification Criteria 13 December 2019. Collection method: clinical testing. Allele origin: germline.
Comment: This variant was observed as part of a predisposition screen in an ostensibly healthy population. A literature search was performed for the gene, cDNA change, and amino acid change (where applicable). No publications were found based on this search. Allele frequency data from public databases allowed determination this variant is unlikely to cause disease. Therefore, this variant is classified as likely benign.

Genetic Services Laboratory, University of Chicago
Classification: Benign for AllHighlyPenetrant. Last evaluated: 2013-07-22. Review status: criteria provided, single submitter. Criteria: ACMG Guidelines, 2007. Collection method: clinical testing. Allele origin: germline. Inheritance: Autosomal recessive inheritance.

GeneDx
Classification: Benign. Last evaluated: 2013-06-03. Review status: criteria provided, single submitter. Criteria: GeneDx Variant Classification (06012015). Collection method: clinical testing. Allele origin: germline. Affected: yes.
Comment: This variant is considered likely benign or benign based on one or more of the following criteria: it is a conservative change, it occurs at a poorly conserved position in the protein, it is predicted to be benign by multiple in silico algorithms, and/or has population frequency not consistent with disease.

Breakthrough Genomics
Classification: Likely benign. Review status: criteria provided, single submitter. Criteria: ACMG Guidelines, 2015. Collection method: not provided. Allele origin: germline. Inheritance: Autosomal recessive inheritance. Affected: yes.

Natera, Inc.
Classification: Benign for Pontocerebellar hypoplasia, type 6. Last evaluated: 2020-09-16. Review status: no assertion criteria provided. Collection method: clinical testing. Allele origin: germline. Not counted in ClinVar's aggregate classification.

Mayo Clinic Laboratories, Mayo Clinic
Classification: Benign. Last evaluated: 2017-08-04. Review status: no assertion criteria provided. Collection method: clinical testing. Allele origin: unknown. Not counted in ClinVar's aggregate classification.